The following is an entry in ClinVar:

NM_052813.5(CARD9):c.1118G>A (p.Arg373Gln)

Gene: CARD9 (caspase recruitment domain family member 9; minus strand). Cytogenetic location: 9q34.3.
Variant type: single nucleotide variant.
Coding change: c.1118G>A on transcript NM_052813.5 (MANE Select); coding-DNA position 1118, G replaced by A.
Protein change: p.Arg373Gln; replaces arginine 373 with glutamine.
Molecular consequence: missense variant.
Genome position (GRCh38, 1-based): chr9:136,367,788, C>T on the plus strand (G>A on the coding strand, the complement: CARD9 is on the minus strand). VCF-style: chr9-136367788-C-T. GRCh37 (hg19) VCF-style: chr9-139262240-C-T.
Other names: c.1118G>A, p.Arg373Gln (NM_052814.4); short protein forms R373Q.
Identifiers: ClinVar variation 856220 (VCV000856220.10), dbSNP rs149712114, ClinGen allele CA5332821.

ClinVar aggregate classification (germline): Uncertain significance (1 of 4 stars; one submission).

Conditions:
Predisposition to invasive fungal disease due to CARD9 deficiency (IMD103). Also called: IMMUNODEFICIENCY 103, SUSCEPTIBILITY TO FUNGAL INFECTIONS; CARD9 IMMUNODEFICIENCY; Candidiasis, familial, 2, autosomal recessive. Identifiers: Orphanet 457088, MedGen C1859353, MONDO:0008905, OMIM 212050.

Allele frequency attached by ClinVar (database versions not stated): TOPMed 0.00002; ESP Exome Variant Server 0.00023; 1000 Genomes Project 30x 0.00031; 1000 Genomes Project 0.00060.
gnomAD v4.1: 42 of 1,603,472 alleles (0.0026%); highest among the groups gnomAD compares: East Asian, 0.038%; no homozygotes.

Submission:

Labcorp Genetics (formerly Invitae), Labcorp
Classification: Uncertain significance for Predisposition to invasive fungal disease due to CARD9 deficiency. Last evaluated: 2025-01-23. Review status: criteria provided, single submitter. Criteria: Invitae Variant Classification Sherloc (09022015). Collection method: clinical testing. Allele origin: germline.
Comment: This sequence change replaces arginine, which is basic and polar, with glutamine, which is neutral and polar, at codon 373 of the CARD9 protein (p.Arg373Gln). This variant is present in population databases (rs149712114, gnomAD 0.05%). This variant has not been reported in the literature in individuals affected with CARD9-related conditions. ClinVar contains an entry for this variant (Variation ID: 856220). Invitae Evidence Modeling of protein sequence and biophysical properties (such as structural, functional, and spatial information, amino acid conservation, physicochemical variation, residue mobility, and thermodynamic stability) indicates that this missense variant is not expected to disrupt CARD9 protein function with a negative predictive value of 80%. In summary, the available evidence is currently insufficient to determine the role of this variant in disease. Therefore, it has been classified as a Variant of Uncertain Significance.